The following is an entry in ClinVar:

ClinVar aggregate classification (germline): Likely benign (0 of 4 stars; one submission).

Conditions:
PKD1-related disorder. Also called: PKD1-related condition.

Allele frequency attached by ClinVar (database versions not stated): 1000 Genomes Project 30x 0.00016; 1000 Genomes Project 0.00020; ESP Exome Variant Server 0.00054; TOPMed 0.00068; gnomAD 0.00072; gnomAD exomes 0.00086; ExAC 0.00127.
gnomAD v4.1: 1,344 of 1,604,652 alleles (0.084%); highest among the groups gnomAD compares: South Asian, 0.18%; 2 homozygotes.

Submission:

PreventionGenetics, part of Exact Sciences
Classification: Likely benign for PKD1-related condition. Last evaluated: 2023-12-13. Review status: no assertion criteria provided. Collection method: clinical testing. Allele origin: germline.
Comment: This variant is classified as likely benign based on ACMG/AMP sequence variant interpretation guidelines (Richards et al. 2015 PMID: 25741868, with internal and published modifications).

NM_001009944.3(PKD1):c.9713-21G>A

Gene: PKD1 (polycystin 1, transient receptor potential channel interacting; minus strand). Cytogenetic location: 16p13.3.
Variant type: single nucleotide variant.
Coding change: c.9713-21G>A on transcript NM_001009944.3 (MANE Select); 21 bases into the intron before coding-DNA position 9713, G replaced by A.
Molecular consequence: intron variant.
Genome position (GRCh38, 1-based): chr16:2,100,092, C>T on the plus strand (G>A on the coding strand, the complement: PKD1 is on the minus strand). VCF-style: chr16-2100092-C-T. GRCh37 (hg19) VCF-style: chr16-2150093-C-T.
Other names: c.9713-21G>A (NM_000296.4).
Identifiers: ClinVar variation 3042932 (VCV003042932.2), dbSNP rs371213519, ClinGen allele CA7829941.
Genomic context (GRCh38, chr16:2,100,092, plus strand): 5'-GCCACCAGCAGGCGCCGGAAGCGCAAAAGGGCTGCGTCGCCTAGAAGGCAGGGAGGGCCG[C>T]ACTGCAGGAGGCCACGGGGCAGGACCACCCTGCCCAACCTCCCACGGAGTGGGAACATGG-3'